The following is an entry in ClinVar:

ClinVar aggregate classification (germline): Uncertain significance. Review status: criteria provided, multiple submitters, no conflicts (2 of 4 stars). 4 submissions from 4 submitters: Uncertain significance (3). 1 of the submissions does not count toward it. Last evaluated 2026-01-26.

Conditions:
COL9A1-related disorder. Also called: COL9A1-related condition; COL9A1-related disorders.

Allele frequency attached by ClinVar (database versions not stated): ExAC 0.00002; gnomAD exomes 0.00003 and 0.00006; gnomAD 0.00004 and 0.00005; TOPMed 0.00009.
gnomAD v4.1: 93 of 1,609,182 alleles (0.0058%); highest among the groups gnomAD compares: Non-Finnish European, 0.007%; no homozygotes.

Submissions (4):

Labcorp Genetics (formerly Invitae), Labcorp
Classification: Uncertain significance. Last evaluated: 2026-01-26. Review status: criteria provided, single submitter. Criteria: Invitae Variant Classification Sherloc (09022015). Collection method: clinical testing. Allele origin: germline.
Comment: This sequence change replaces valine, which is neutral and non-polar, with alanine, which is neutral and non-polar, at codon 459 of the COL9A1 protein (p.Val459Ala). This variant is present in population databases (rs761676771, gnomAD 0.007%). This variant has not been reported in the literature in individuals affected with COL9A1-related conditions. ClinVar contains an entry for this variant (Variation ID: 453026). Invitae Evidence Modeling of protein sequence and biophysical properties (such as structural, functional, and spatial information, amino acid conservation, physicochemical variation, residue mobility, and thermodynamic stability) indicates that this missense variant is not expected to disrupt COL9A1 protein function with a negative predictive value of 95%. In summary, the available evidence is currently insufficient to determine the role of this variant in disease. Therefore, it has been classified as a Variant of Uncertain Significance.

Blueprint Genetics
Classification: Uncertain significance. Last evaluated: 2021-03-02. Review status: criteria provided, single submitter. Criteria: ACMG Guidelines, 2015. Collection method: clinical testing. Allele origin: germline.

GeneDx
Classification: Uncertain significance. Last evaluated: 2018-07-31. Review status: criteria provided, single submitter. Criteria: GeneDx Variant Classification (06012015). Collection method: clinical testing. Allele origin: germline. Affected: yes.
Comment: A variant of uncertain significance has been identified in the COL9A1 gene. The V459A variant has not been published as pathogenic or been reported as benign to our knowledge. The V459A variant is not observed at a significant frequency in large population cohorts (Lek et al., 2016). However, the V459A variant is a conservative amino acid substitution, which is not likely to impact secondary protein structure as these residues share similar properties. This substitution occurs at a position where amino acids with similar properties to valine are tolerated across species and where alanine is the wild type amino acid at this position in two lower species. Lastly, in silico analysis is inconsistent in its predictions as to whether or not the variant is damaging to the protein structure/function.

PreventionGenetics, part of Exact Sciences
Classification: Uncertain significance for COL9A1-related condition. Last evaluated: 2024-06-26. Review status: no assertion criteria provided. Collection method: clinical testing. Allele origin: germline. Not counted in ClinVar's aggregate classification.
Comment: The COL9A1 c.1376T>C variant is predicted to result in the amino acid substitution p.Val459Ala. To our knowledge, this variant has not been reported in the literature. This variant is reported in 0.0062% of alleles in individuals of African descent in gnomAD. At this time, the clinical significance of this variant is uncertain due to the absence of conclusive functional and genetic evidence.

NM_001851.6(COL9A1):c.1376T>C (p.Val459Ala)

Gene: COL9A1 (collagen type IX alpha 1 chain; minus strand). Cytogenetic location: 6q13.
Variant type: single nucleotide variant.
Coding change: c.1376T>C on transcript NM_001851.6 (MANE Select); coding-DNA position 1376, T replaced by C.
Protein change: p.Val459Ala; replaces valine 459 with alanine.
Molecular consequence: missense variant. On other transcripts: non-coding transcript variant (1).
Genome position (GRCh38, 1-based): chr6:70,263,263, A>G on the plus strand (T>C on the coding strand, the complement: COL9A1 is on the minus strand). VCF-style: chr6-70263263-A-G. GRCh37 (hg19) VCF-style: chr6-70972966-A-G.
Other names: c.647T>C, p.Val216Ala (NM_001377289.1, NM_001377290.1, NM_078485.4); short protein forms V459A, V216A.
Identifiers: ClinVar variation 453026 (VCV000453026.9), dbSNP rs761676771, ClinGen allele CA3882252.
Genomic context (GRCh38, chr6:70,263,263, plus strand): 5'-TTTACATATCCTAGTTAAATATTTTTTAAAAAATACTTTACTGGAGGTCCTTGAGCTCCA[A>G]CTTCTCCGAGTTCTCCCTGGTCACCTTCTTCACCCTAAAGAAAAAAAAGAAAAAAGAAAA-3'
Protein context (NP_001842.3, residues 449-469): EEGDQGELGE[Val459Ala]GAQGPPGAQG